The following is an entry in ClinVar:

NM_000051.4(ATM):c.2728A>G (p.Thr910Ala)

Gene: ATM (ATM serine/threonine kinase; plus strand). Cytogenetic location: 11q22.3.
Variant type: single nucleotide variant.
Coding change: c.2728A>G on transcript NM_000051.4 (MANE Select); coding-DNA position 2728, A replaced by G.
Protein change: p.Thr910Ala; replaces threonine 910 with alanine.
Molecular consequence: missense variant.
Genome position (GRCh38, 1-based): chr11:108,268,499, A>G. VCF-style: chr11-108268499-A-G. GRCh37 (hg19) VCF-style: chr11-108139226-A-G.
Other names: c.2728A>G, p.Thr910Ala (NM_001351834.2); short protein forms T910A.
Identifiers: ClinVar variation 453431 (VCV000453431.19), dbSNP rs1265391373, ClinGen allele CA382545340.
Genomic context (GRCh38, chr11:108,268,499, plus strand): 5'-CTGTCAAAGCAAGATCTACTTTTCTTAGACATGCTCAAGTTCTTGTGTTTGTGTGTAACT[A>G]CTGCTCAGACCAATACTGTGTCCTTTAGGGCAGCTGATATTCGGAGGAAATTGTTAATGT-3'
Protein context (NP_000042.3, residues 900-920): MLKFLCLCVT[Thr910Ala]AQTNTVSFRA

ClinVar aggregate classification (germline): Conflicting classifications of pathogenicity. Review status: criteria provided, conflicting classifications (1 of 4 stars). 4 submissions from 4 submitters: Uncertain significance (1); Likely benign (2). 1 of the submissions does not count toward it. Last evaluated 2025-02-03.

Conditions:
Hereditary cancer-predisposing syndrome. Also called: Tumor predisposition; Hereditary Cancer Syndrome; Neoplastic Syndromes, Hereditary; Hereditary neoplastic syndrome. Identifiers: Orphanet 140162, MedGen C0027672, MeSH D009386, MONDO:0015356.
Ataxia-telangiectasia syndrome (AT). Also called: Cerebello-oculocutaneous telangiectasia; Immunodeficiency with ataxia telangiectasia; Ataxia-telangiectasia, complementation group D; AT, COMPLEMENTATION GROUP C; Ataxia-telangiectasia, complementation group E; LOUIS-BAR SYNDROME. Identifiers: Orphanet 100, MedGen C0004135, MONDO:0008840, OMIM 208900.

Allele frequency attached by ClinVar (database versions not stated): gnomAD 0.00001; gnomAD exomes 0.00001.
gnomAD v4.1: 12 of 1,613,952 alleles (0.00074%); highest among the groups gnomAD compares: Admixed American, 0.0017%; no homozygotes.

Submissions (4):

Ambry Genetics
Classification: Likely benign for Hereditary cancer-predisposing syndrome. Last evaluated: 2025-02-03. Review status: criteria provided, single submitter. Criteria: Ambry Variant Classification Scheme 2023. Collection method: clinical testing. Allele origin: germline.

Labcorp Genetics (formerly Invitae), Labcorp
Classification: Uncertain significance for Ataxia-telangiectasia syndrome. Last evaluated: 2024-10-27. Review status: criteria provided, single submitter. Criteria: Invitae Variant Classification Sherloc (09022015). Collection method: clinical testing. Allele origin: germline.
Comment: This sequence change replaces threonine, which is neutral and polar, with alanine, which is neutral and non-polar, at codon 910 of the ATM protein (p.Thr910Ala). This variant is present in population databases (no rsID available, gnomAD 0.02%). This variant has not been reported in the literature in individuals affected with ATM-related conditions. ClinVar contains an entry for this variant (Variation ID: 453431). Invitae Evidence Modeling of protein sequence and biophysical properties (such as structural, functional, and spatial information, amino acid conservation, physicochemical variation, residue mobility, and thermodynamic stability) indicates that this missense variant is not expected to disrupt ATM protein function with a negative predictive value of 95%. In summary, the available evidence is currently insufficient to determine the role of this variant in disease. Therefore, it has been classified as a Variant of Uncertain Significance.

Color Diagnostics, LLC DBA Color Health
Classification: Likely benign for Hereditary cancer-predisposing syndrome. Last evaluated: 2024-09-30. Review status: criteria provided, single submitter. Criteria: ACMG Guidelines, 2015. Collection method: clinical testing. Allele origin: germline.

Natera, Inc.
Classification: Uncertain significance for Ataxia-telangiectasia. Last evaluated: 2020-09-16. Review status: no assertion criteria provided. Collection method: clinical testing. Allele origin: germline. Not counted in ClinVar's aggregate classification.